The following is an entry in ClinVar:

NM_006206.6(PDGFRA):c.930T>C (p.His310=)

Gene: PDGFRA (platelet derived growth factor receptor alpha; plus strand). Cytogenetic location: 4q12.
Variant type: single nucleotide variant.
Coding change: c.930T>C on transcript NM_006206.6 (MANE Select); coding-DNA position 930, T replaced by C.
Protein change: p.His310=; no amino-acid change (histidine 310 retained).
Molecular consequence: synonymous variant.
Genome position (GRCh38, 1-based): chr4:54,267,459, T>C. VCF-style: chr4-54267459-T-C. GRCh37 (hg19) VCF-style: chr4-55133626-T-C.
Other names: c.930T>C, p.His310= (NM_001347827.2, NM_001347829.2); c.1005T>C, p.His335= (NM_001347828.2); c.969T>C, p.His323= (NM_001347830.2).
Identifiers: ClinVar variation 3225320 (VCV003225320.3), dbSNP rs1440317369, ClinGen allele CA439286478.

ClinVar aggregate classification (germline): Conflicting classifications of pathogenicity. Review status: criteria provided, conflicting classifications (1 of 4 stars). 2 submissions from 2 submitters: Uncertain significance (1); Likely benign (1). Last evaluated 2024-10-03.

Conditions:
Hereditary cancer-predisposing syndrome. Also called: Neoplastic Syndromes, Hereditary; Tumor predisposition; Hereditary Cancer Syndrome; Hereditary neoplastic syndrome. Identifiers: Orphanet 140162, MedGen C0027672, MeSH D009386, MONDO:0015356.
Gastrointestinal stromal tumor. Also called: Gastrointestinal stromal tumor, somatic; Gastrointestinal stroma tumor. Identifiers: Orphanet 44890, MedGen C0238198, MeSH D046152, MONDO:0011719, OMIM 606764, HP:0100723.

Allele frequency attached by ClinVar (database versions not stated): TOPMed 0.00001.
gnomAD v4.1: 1 of 1,614,144 alleles (0.000062%); no homozygotes.

Submissions (2):

Labcorp Genetics (formerly Invitae), Labcorp
Classification: Uncertain significance for Gastrointestinal stromal tumor. Last evaluated: 2024-10-03. Review status: criteria provided, single submitter. Criteria: Invitae Variant Classification Sherloc (09022015). Collection method: clinical testing. Allele origin: germline.
Comment: This sequence change affects codon 310 of the PDGFRA mRNA. It is a 'silent' change, meaning that it does not change the encoded amino acid sequence of the PDGFRA protein. It affects a nucleotide within the consensus splice site. This variant is present in population databases (no rsID available, gnomAD 0.004%). This variant has not been reported in the literature in individuals affected with PDGFRA-related conditions. Algorithms developed to predict the effect of sequence changes on RNA splicing suggest that this variant is not likely to affect RNA splicing. In summary, the available evidence is currently insufficient to determine the role of this variant in disease. Therefore, it has been classified as a Variant of Uncertain Significance.

Ambry Genetics
Classification: Likely benign for Hereditary cancer-predisposing syndrome. Last evaluated: 2023-11-11. Review status: criteria provided, single submitter. Criteria: Ambry Variant Classification Scheme 2023. Collection method: clinical testing. Allele origin: germline.